The following is an entry in ClinVar:

ClinVar aggregate classification (germline): Uncertain significance (1 of 4 stars; one submission).

Conditions:
Nemaline myopathy 2 (NEM2). Also called: Nemaline myopathy 2, autosomal recessive. Identifiers: MedGen C1850569, MONDO:0009725, OMIM 256030.

Submission:

Labcorp Genetics (formerly Invitae), Labcorp
Classification: Uncertain significance for Nemaline myopathy 2. Last evaluated: 2021-05-21. Review status: criteria provided, single submitter. Criteria: Invitae Variant Classification Sherloc (09022015). Collection method: clinical testing. Allele origin: germline.
Comment: This sequence change replaces asparagine with serine at codon 3235 of the NEB protein (p.Asn3235Ser). The asparagine residue is moderately conserved and there is a small physicochemical difference between asparagine and serine. This variant is not present in population databases (ExAC no frequency). This variant has not been reported in the literature in individuals with NEB-related conditions. Algorithms developed to predict the effect of missense changes on protein structure and function are either unavailable or do not agree on the potential impact of this missense change (SIFT: "Deleterious"; PolyPhen-2: "Not Available"; Align-GVGD: "Class C0"). In summary, the available evidence is currently insufficient to determine the role of this variant in disease. Therefore, it has been classified as a Variant of Uncertain Significance.

NM_001164508.2(NEB):c.9704A>G (p.Asn3235Ser)

Gene: NEB (nebulin; minus strand). Cytogenetic location: 2q23.3.
Variant type: single nucleotide variant.
Coding change: c.9704A>G on transcript NM_001164508.2 (MANE Select); coding-DNA position 9704, A replaced by G.
Protein change: p.Asn3235Ser; replaces asparagine 3235 with serine.
Molecular consequence: missense variant.
Genome position (GRCh38, 1-based): chr2:151,630,734, T>C on the plus strand (A>G on the coding strand, the complement: NEB is on the minus strand). VCF-style: chr2-151630734-T-C. GRCh37 (hg19) VCF-style: chr2-152487248-T-C.
Other names: c.9704A>G, p.Asn3235Ser (NM_001164507.2, NM_001271208.2); c.8975A>G, p.Asn2992Ser (NM_004543.5); short protein forms N2992S, N3235S.
Identifiers: ClinVar variation 1951178 (VCV001951178.2), dbSNP rs2552237978, ClinGen allele CA348798762.
Genomic context (GRCh38, chr2:151,630,734, plus strand): 5'-CACCACCACCACAATATAGCACCACAGATTTTTGCTCCTACCTCACTGTAGTTGATTTTG[T>C]TCTGCCTTGCCAACATAATCTCTGGTGTATCAGGCATTATGTGAATTTGAGTCTTGTCTT-3'
Protein context (NP_001157980.2, residues 3225-3245): DTPEIMLARQ[Asn3235Ser]KINYSETLYK